The following is an entry in ClinVar:

ClinVar aggregate classification (germline): Likely pathogenic (1 of 4 stars; one submission).

Conditions:
Cockayne syndrome type 2 (CSB). Also called: COCKAYNE SYNDROME B; Cockayne Syndrome, Type II. Identifiers: Orphanet 191, Orphanet 90322, MedGen C0751038, MONDO:0019570, OMIM 133540.

Submission:

Myriad Genetics, Inc.
Classification: Likely pathogenic for Cockayne syndrome type 2. Last evaluated: 2022-01-23. Review status: criteria provided, single submitter. Criteria: Myriad Women's Health Autosomal Recessive and X-Linked Classification Criteria (2021). Collection method: clinical testing. Allele origin: unknown.
Comment: NM_000124.2(ERCC6):c.3322G>T(G1108*) is expected to be pathogenic in the context of ERCC6-related disorders. This variant is predicted to lead to an abnormal or absent protein product due to the creation of a premature termination codon in ERCC6, a gene where loss-of-function variants are known to be pathogenic. Please note: this variant was assessed in the context of healthy population screening.

NM_000124.4(ERCC6):c.3322G>T (p.Gly1108Ter)

Gene: ERCC6 (ERCC excision repair 6, chromatin remodeling factor; minus strand). Cytogenetic location: 10q11.23.
Variant type: single nucleotide variant.
Coding change: c.3322G>T on transcript NM_000124.4 (MANE Select); coding-DNA position 3322, G replaced by T.
Protein change: p.Gly1108Ter; replaces glycine 1108 with a stop codon.
Molecular consequence: nonsense.
Genome position (GRCh38, 1-based): chr10:49,470,638, C>A on the plus strand (G>T on the coding strand, the complement: ERCC6 is on the minus strand). VCF-style: chr10-49470638-C-A. GRCh37 (hg19) VCF-style: chr10-50678684-C-A.
Other names: c.3322G>T, p.Gly1108Ter (NM_001346440.2); short protein forms G1108*.
Identifiers: ClinVar variation 1724020 (VCV001724020.2), dbSNP rs143502251, ClinGen allele CA376715712.
Genomic context (GRCh38, chr10:49,470,638, plus strand): 5'-CCCCATTTCCACTAATCACTGACAACTCTTCTGGTCCAGATACTGCATTTGTCTCTTCTC[C>A]AAGCCTATCATTGCTAGTTACATTACTACTCATGTGAGGGTCATCTTTCAAAGGATCACT-3'